The following is an entry in ClinVar:

NM_014956.5(CEP164):c.2510G>A (p.Arg837Gln)

Gene: CEP164 (centrosomal protein 164; plus strand). Cytogenetic location: 11q23.3.
Variant type: single nucleotide variant.
Coding change: c.2510G>A on transcript NM_014956.5 (MANE Select); coding-DNA position 2510, G replaced by A.
Protein change: p.Arg837Gln; replaces arginine 837 with glutamine.
Molecular consequence: missense variant.
Genome position (GRCh38, 1-based): chr11:117,393,020, G>A. VCF-style: chr11-117393020-G-A. GRCh37 (hg19) VCF-style: chr11-117263736-G-A.
Other names: c.2519G>A, p.Arg840Gln (NM_001271933.2); short protein forms R840Q, R837Q.
Identifiers: ClinVar variation 2549930 (VCV002549930.3), dbSNP rs1295582803, ClinGen allele CA382726270.
Genomic context (GRCh38, chr11:117,393,020, plus strand): 5'-CCGCCTCGGTTCTTCATGCCACATCCCTGCCATCTCCCCTGCAGCTCAGCAGTCTCCTGC[G>A]AGAGAAGCGCCAGGAAGTGGAAGGGGAGCATGAGAGGAGGTTGGACAAGATGAAGGAGGA-3'
Protein context (NP_055771.4, residues 827-847): GYEHELSSLL[Arg837Gln]EKRQEVEGEH

ClinVar aggregate classification (germline): Uncertain significance. Review status: criteria provided, multiple submitters, no conflicts (2 of 4 stars). 2 submissions from 2 submitters: Uncertain significance (2). Last evaluated 2025-12-15.

Conditions:
Nephronophthisis 15 (NPHP15). Identifiers: Orphanet 3156, MedGen C3541853, MONDO:0013917, OMIM 614845.
Inborn genetic diseases. Identifiers: MedGen C0950123, MeSH D030342.

Allele frequency attached by ClinVar (database versions not stated): gnomAD 0.00001; gnomAD exomes 0.00001; TOPMed 0.00001.
gnomAD v4.1: 11 of 1,613,346 alleles (0.00068%); highest among the groups gnomAD compares: South Asian, 0.0044%; no homozygotes.

Submissions (2):

Labcorp Genetics (formerly Invitae), Labcorp
Classification: Uncertain significance for Nephronophthisis 15. Last evaluated: 2025-12-15. Review status: criteria provided, single submitter. Criteria: Invitae Variant Classification Sherloc (09022015). Collection method: clinical testing. Allele origin: germline.
Comment: This sequence change replaces arginine, which is basic and polar, with glutamine, which is neutral and polar, at codon 837 of the CEP164 protein (p.Arg837Gln). This variant is present in population databases (no rsID available, gnomAD 0.003%). This variant has not been reported in the literature in individuals affected with CEP164-related conditions. ClinVar contains an entry for this variant (Variation ID: 2549930). Invitae Evidence Modeling of protein sequence and biophysical properties (such as structural, functional, and spatial information, amino acid conservation, physicochemical variation, residue mobility, and thermodynamic stability) indicates that this missense variant is not expected to disrupt CEP164 protein function with a negative predictive value of 80%. In summary, the available evidence is currently insufficient to determine the role of this variant in disease. Therefore, it has been classified as a Variant of Uncertain Significance.

Ambry Genetics
Classification: Uncertain significance for Inborn genetic diseases. Last evaluated: 2023-05-23. Review status: criteria provided, single submitter. Criteria: Ambry Variant Classification Scheme 2023. Collection method: clinical testing. Allele origin: germline.